The following is an entry in ClinVar:

ClinVar aggregate classification (germline): Benign/Likely benign. Review status: criteria provided, multiple submitters, no conflicts (2 of 4 stars). 3 submissions from 3 submitters: Benign (1); Likely benign (2). Last evaluated 2023-07-01.

Allele frequency attached by ClinVar (database versions not stated): 1000 Genomes Project 0.00419; 1000 Genomes Project 30x 0.00422; TOPMed 0.00918; gnomAD 0.00967 and 0.00993; gnomAD exomes 0.01038; ExAC 0.01371.
gnomAD v4.1: 10,973 of 934,844 alleles (1.2%); highest among the groups gnomAD compares: Non-Finnish European, 1.4%; 109 homozygotes.

Submissions (3):

CeGaT Center for Human Genetics Tuebingen
Classification: Benign. Last evaluated: 2023-07-01. Review status: criteria provided, single submitter. Criteria: CeGaT Center For Human Genetics Tuebingen Variant Classification Criteria Version 2. Collection method: clinical testing. Allele origin: germline. Affected: yes. Observed: 19 variant alleles.
Comment: PLA2G6: BS1, BS2

GeneDx
Classification: Likely benign. Last evaluated: 2018-08-25. Review status: criteria provided, single submitter. Criteria: GeneDx Variant Classification Process June 2021. Collection method: clinical testing. Allele origin: germline. Affected: yes.

Breakthrough Genomics
Classification: Likely benign. Review status: criteria provided, single submitter. Criteria: ACMG Guidelines, 2015. Collection method: not provided. Allele origin: germline. Inheritance: Autosomal recessive inheritance. Affected: yes.

NM_003560.4(PLA2G6):c.1743-137G>A

Gene: PLA2G6 (phospholipase A2 group VI; minus strand). Cytogenetic location: 22q13.1.
Variant type: single nucleotide variant.
Coding change: c.1743-137G>A on transcript NM_003560.4 (MANE Select); 137 bases into the intron before coding-DNA position 1743, G replaced by A.
Molecular consequence: intron variant.
Genome position (GRCh38, 1-based): chr22:38,116,348, C>T on the plus strand (G>A on the coding strand, the complement: PLA2G6 is on the minus strand). VCF-style: chr22-38116348-C-T. GRCh37 (hg19) VCF-style: chr22-38512355-C-T.
Other names: c.1065-137G>A (NM_001349868.2); c.1581-137G>A (NM_001349866.2, NM_001199562.3, NM_001349865.2 and 1 more transcripts); c.1047-137G>A (NM_001349869.2); c.1209-137G>A (NM_001349867.2); c.1743-137G>A (NM_001349864.2).
Identifiers: ClinVar variation 1209107 (VCV001209107.35), dbSNP rs55679135, ClinGen allele CA10230743.